The following is an entry in ClinVar:

NM_206933.4(USH2A):c.14134-5T>C

Gene: USH2A (usherin; minus strand). Cytogenetic location: 1q41.
Variant type: single nucleotide variant.
Coding change: c.14134-5T>C on transcript NM_206933.4 (MANE Select); 5 bases into the intron before coding-DNA position 14134, T replaced by C.
Molecular consequence: intron variant.
Genome position (GRCh38, 1-based): chr1:215,650,806, A>G on the plus strand (T>C on the coding strand, the complement: USH2A is on the minus strand). VCF-style: chr1-215650806-A-G. GRCh37 (hg19) VCF-style: chr1-215824148-A-G.
Identifiers: ClinVar variation 1424047 (VCV001424047.8), dbSNP rs2102645100, ClinGen allele CA423309516.
Genomic context (GRCh38, chr1:215,650,806, plus strand): 5'-GTTCTGCACCATGTCCAGCTACTGGGGGCTTTTCCTGCAGAATTCACTGCCCAGACCTCC[A>G]AAGAGAAATCAACAAGACTGTCAAAAGCAAGATACCCTAAGGCTGGGAAAAAAAAAAAAA-3'

ClinVar aggregate classification (germline): Uncertain significance (1 of 4 stars; one submission).

Submission:

Labcorp Genetics (formerly Invitae), Labcorp
Classification: Uncertain significance. Last evaluated: 2021-04-20. Review status: criteria provided, single submitter. Criteria: Invitae Variant Classification Sherloc (09022015). Collection method: clinical testing. Allele origin: germline.
Comment: In summary, the available evidence is currently insufficient to determine the role of this variant in disease. Therefore, it has been classified as a Variant of Uncertain Significance. This variant is not present in population databases (ExAC no frequency). This sequence change falls in intron 64 of the USH2A gene. It does not directly change the encoded amino acid sequence of the USH2A protein. This variant has not been reported in the literature in individuals with USH2A-related conditions. Algorithms developed to predict the effect of sequence changes on RNA splicing suggest that this variant may disrupt the consensus splice site, but this prediction has not been confirmed by published transcriptional studies.